The following is an entry in ClinVar:

ClinVar aggregate classification (germline): Uncertain significance (1 of 4 stars; one submission).

Conditions:
OPA3-related disorder. Also called: OPA3-related condition.

Submission:

PreventionGenetics, part of Exact Sciences
Classification: Uncertain significance for OPA3-related condition. Last evaluated: 2026-07-16. Review status: criteria provided, single submitter. Criteria: ACMG Guidelines, 2015. Collection method: clinical testing. Allele origin: germline.
Comment: The OPA3 c.146A>G variant is predicted to result in the amino acid substitution p.Tyr49Cys. To our knowledge, this variant has not been reported in the literature. This missense variant is predicted to be damaging to the encoded protein (REVEL score >0.773, Ioannidis et al. 2016. PubMed ID: 27666373). This variant is absent in a large population database (gnomAD), indicating this variant is rare. Although we suspect that this variant may be pathogenic, at this time, the clinical significance of this variant is uncertain due to the absence of conclusive functional and genetic evidence.

NM_025136.4(OPA3):c.146A>G (p.Tyr49Cys)

Genes: OPA3 (outer mitochondrial membrane lipid metabolism regulator OPA3; minus strand), OPA3-RTN2 (OPA3-RTN2 readthrough; minus strand). Cytogenetic location: 19q13.32.
Variant type: single nucleotide variant.
Coding change: c.146A>G on transcript NM_025136.4 (MANE Select); coding-DNA position 146, A replaced by G.
Protein change: p.Tyr49Cys; replaces tyrosine 49 with cysteine.
Molecular consequence: missense variant. On other transcripts: intron variant (1).
Genome position (GRCh38, 1-based): chr19:45,553,908, T>C on the plus strand (A>G on the coding strand, the complement: OPA3 is on the minus strand). VCF-style: chr19-45553908-T-C. GRCh37 (hg19) VCF-style: chr19-46057166-T-C.
Other names: c.143-24452A>G (NM_001017989.3); short protein forms Y49C.
Identifiers: ClinVar variation 4995707 (VCV004995707.1).